The following is an entry in ClinVar:

NM_014822.4(SEC24D):c.2210_2211del (p.Leu737fs)

Gene: SEC24D (SEC24 homolog D, COPII component; minus strand). Cytogenetic location: 4q26.
Variant type: Deletion.
Coding change: c.2210_2211del on transcript NM_014822.4 (MANE Select); coding-DNA positions 2210 to 2211, 2 bases deleted (TC; older notation c.2210_2211delTC).
Protein change: p.Leu737fs; shifts the reading frame from leucine 737.
Molecular consequence: frameshift variant.
Genome position (GRCh38, 1-based): chr4:118,740,690-118,740,691, GA deleted on the plus strand (TC on the coding strand, the reverse complement: SEC24D is on the minus strand); deleting any 2 consecutive bases within chr4:118,740,690-118,740,692 gives the same sequence; the c. name uses the placement nearest the transcript's 3' end. VCF-style (leftmost placement, unchanged base first): chr4-118740689-TGA-T. GRCh37 (hg19) VCF-style: chr4-119661844-TGA-T.
Other names: c.2213_2214del, p.Leu738fs (NM_001318066.2); short protein forms L738fs, L737fs.
Identifiers: ClinVar variation 2021257 (VCV002021257.4), dbSNP rs2530075944, ClinGen allele CA2580071403.

ClinVar aggregate classification (germline): Pathogenic (1 of 4 stars; one submission).

Submission:

Labcorp Genetics (formerly Invitae), Labcorp
Classification: Pathogenic. Last evaluated: 2022-08-03. Review status: criteria provided, single submitter. Criteria: Invitae Variant Classification Sherloc (09022015). Collection method: clinical testing. Allele origin: germline.
Comment: This sequence change creates a premature translational stop signal (p.Leu737Glnfs*2) in the SEC24D gene. It is expected to result in an absent or disrupted protein product. Loss-of-function variants in SEC24D are known to be pathogenic (PMID: 25683121, 30462379). This variant is not present in population databases (gnomAD no frequency). This variant has not been reported in the literature in individuals affected with SEC24D-related conditions. For these reasons, this variant has been classified as Pathogenic.

Literature cited by the submitters: PubMed 25683121; PubMed 30462379.